The following is an entry in ClinVar:

ClinVar aggregate classification (germline): Uncertain significance (1 of 4 stars; one submission).

Conditions:
Axenfeld-Rieger syndrome type 3 (RIEG3). Also called: AXENFELD-RIEGER ANOMALY WITH CARDIAC DEFECTS AND/OR SENSORINEURAL HEARING LOSS. Identifiers: Orphanet 782, MedGen C2678503, MONDO:0011233, OMIM 602482.

gnomAD v4.1: 3 of 1,457,642 alleles (0.00021%); highest among the groups gnomAD compares: South Asian, 0.0026%; no homozygotes.

Submission:

Labcorp Genetics (formerly Invitae), Labcorp
Classification: Uncertain significance for Axenfeld-Rieger syndrome type 3. Last evaluated: 2025-09-30. Review status: criteria provided, single submitter. Criteria: Invitae Variant Classification Sherloc (09022015). Collection method: clinical testing. Allele origin: germline.
Comment: This sequence change affects codon 257 of the FOXC1 mRNA. It is a 'silent' change, meaning that it does not change the encoded amino acid sequence of the FOXC1 protein. This variant is not present in population databases (gnomAD no frequency). This variant has not been reported in the literature in individuals affected with FOXC1-related conditions. In summary, the available evidence is currently insufficient to determine the role of this variant in disease. Therefore, it has been classified as a Variant of Uncertain Significance.

NM_001453.3(FOXC1):c.771C>T (p.Ile257=)

Gene: FOXC1 (forkhead box C1; plus strand). Cytogenetic location: 6p25.3.
Variant type: single nucleotide variant.
Coding change: c.771C>T on transcript NM_001453.3 (MANE Select); coding-DNA position 771, C replaced by T.
Protein change: p.Ile257=; no amino-acid change (isoleucine 257 retained).
Molecular consequence: synonymous variant.
Genome position (GRCh38, 1-based): chr6:1,611,216, C>T. VCF-style: chr6-1611216-C-T. GRCh37 (hg19) VCF-style: chr6-1611451-C-T.
Identifiers: ClinVar variation 4780898 (VCV004780898.1).